The following is an entry in ClinVar:

ClinVar aggregate classification (germline): Uncertain significance (1 of 4 stars; one submission).

Allele frequency attached by ClinVar (database versions not stated): gnomAD exomes 0.00002; gnomAD 0.00003; ExAC 0.00006; TOPMed 0.00006.
gnomAD v4.1: 29 of 1,569,254 alleles (0.0018%); highest among the groups gnomAD compares: East Asian, 0.011%; no homozygotes.

Submission:

Labcorp Genetics (formerly Invitae), Labcorp
Classification: Uncertain significance. Last evaluated: 2024-02-17. Review status: criteria provided, single submitter. Criteria: Invitae Variant Classification Sherloc (09022015). Collection method: clinical testing. Allele origin: germline.
Comment: This sequence change replaces arginine, which is basic and polar, with cysteine, which is neutral and slightly polar, at codon 2527 of the LAMA5 protein (p.Arg2527Cys). This variant is present in population databases (rs756250563, gnomAD 0.04%). This variant has not been reported in the literature in individuals affected with LAMA5-related conditions. ClinVar contains an entry for this variant (Variation ID: 2173685). Advanced modeling of protein sequence and biophysical properties (such as structural, functional, and spatial information, amino acid conservation, physicochemical variation, residue mobility, and thermodynamic stability) performed at Invitae indicates that this missense variant is expected to disrupt LAMA5 protein function with a positive predictive value of 80%. In summary, the available evidence is currently insufficient to determine the role of this variant in disease. Therefore, it has been classified as a Variant of Uncertain Significance.

NM_005560.6(LAMA5):c.7579C>T (p.Arg2527Cys)

Gene: LAMA5 (laminin subunit alpha 5; minus strand). Cytogenetic location: 20q13.33.
Variant type: single nucleotide variant.
Coding change: c.7579C>T on transcript NM_005560.6 (MANE Select); coding-DNA position 7579, C replaced by T.
Protein change: p.Arg2527Cys; replaces arginine 2527 with cysteine.
Molecular consequence: missense variant.
Genome position (GRCh38, 1-based): chr20:62,316,956, G>A on the plus strand (C>T on the coding strand, the complement: LAMA5 is on the minus strand). VCF-style: chr20-62316956-G-A. GRCh37 (hg19) VCF-style: chr20-60892012-G-A.
Other names: short protein forms R2527C.
Identifiers: ClinVar variation 2173685 (VCV002173685.4), dbSNP rs756250563, ClinGen allele CA9941157.